The following is an entry in ClinVar:

ClinVar aggregate classification (germline): Benign/Likely benign. Review status: criteria provided, multiple submitters, no conflicts (2 of 4 stars). 4 submissions from 4 submitters: Benign (1); Likely benign (3). Last evaluated 2026-05-19.

Conditions:
Hereditary cancer-predisposing syndrome. Also called: Neoplastic Syndromes, Hereditary; Hereditary neoplastic syndrome; Hereditary Cancer Syndrome; Tumor predisposition. Identifiers: Orphanet 140162, MedGen C0027672, MeSH D009386, MONDO:0015356.
Familial cancer of breast. Also called: BREAST CANCER, FAMILIAL; Hereditary breast cancer; hereditary breast carcinoma. Identifiers: Orphanet 227535, MedGen C0346153, MONDO:0016419, OMIM 114480. Disease mechanism: loss of function.
Fanconi anemia complementation group J. Also called: BRIP1-Related Fanconi Anemia. Identifiers: Orphanet 84, MedGen C1836860, MONDO:0012187, OMIM 609054.

Allele frequency attached by ClinVar (database versions not stated): gnomAD exomes below 0.00001; ESP Exome Variant Server 0.00008; gnomAD 0.00001; TOPMed below 0.00001; ExAC 0.00001.
gnomAD v4.1: 3 of 1,613,964 alleles (0.00019%); highest among the groups gnomAD compares: African/African-American, 0.0013%; no homozygotes.

Submissions (4):

Ambry Genetics
Classification: Likely benign for Hereditary cancer-predisposing syndrome. Last evaluated: 2026-05-19. Review status: criteria provided, single submitter. Criteria: Ambry Variant Classification Scheme 2023. Collection method: clinical testing. Allele origin: germline.

Labcorp Genetics (formerly Invitae), Labcorp
Classification: Likely benign for Familial cancer of breast; Fanconi anemia complementation group J. Last evaluated: 2025-09-19. Review status: criteria provided, single submitter. Criteria: Invitae Variant Classification Sherloc (09022015). Collection method: clinical testing. Allele origin: germline.

Myriad Genetics, Inc.
Classification: Benign for Familial cancer of breast. Last evaluated: 2024-08-29. Review status: criteria provided, single submitter. Criteria: Myriad Autosomal Dominant, Autosomal Recessive and X-Linked Classification Criteria (2023). Collection method: clinical testing. Allele origin: unknown.
Comment: This variant is considered benign. This variant is a silent/synonymous amino acid change and it is not expected to impact splicing.

Color Diagnostics, LLC DBA Color Health
Classification: Likely benign for Hereditary cancer-predisposing syndrome. Last evaluated: 2016-05-10. Review status: criteria provided, single submitter. Criteria: ACMG Guidelines, 2015. Collection method: clinical testing. Allele origin: germline.

NM_032043.3(BRIP1):c.1710G>A (p.Leu570=)

Gene: BRIP1 (BRCA1 interacting DNA helicase 1; minus strand). Cytogenetic location: 17q23.2.
Variant type: single nucleotide variant.
Coding change: c.1710G>A on transcript NM_032043.3 (MANE Select); coding-DNA position 1710, G replaced by A.
Protein change: p.Leu570=; no amino-acid change (leucine 570 retained).
Molecular consequence: synonymous variant.
Genome position (GRCh38, 1-based): chr17:61,780,924, C>T on the plus strand (G>A on the coding strand, the complement: BRIP1 is on the minus strand). VCF-style: chr17-61780924-C-T. GRCh37 (hg19) VCF-style: chr17-59858285-C-T.
Identifiers: ClinVar variation 795633 (VCV000795633.13), dbSNP rs370087045, ClinGen allele CA8690683.